The following is an entry in ClinVar:

ClinVar aggregate classification (germline): Likely benign. Review status: criteria provided, multiple submitters, no conflicts (2 of 4 stars). 2 submissions from 2 submitters: Likely benign (2). Last evaluated 2026-03-01.

Conditions:
Kabuki syndrome. Also called: NIIKAWA-KUROKI SYNDROME; Kabuki make-up syndrome. Identifiers: Orphanet 2322, MedGen C0796004, MONDO:0016512.

Submissions (2):

CeGaT Center for Human Genetics Tuebingen
Classification: Likely benign. Last evaluated: 2026-03-01. Review status: criteria provided, single submitter. Criteria: CeGaT Center For Human Genetics Tuebingen Variant Classification Criteria Version 2. Collection method: clinical testing. Allele origin: germline. Affected: yes. Observed: 1 variant allele.
Comment: KMT2D: PM2:Supporting, BP4, BP7

Labcorp Genetics (formerly Invitae), Labcorp
Classification: Likely benign for Kabuki syndrome. Last evaluated: 2025-01-05. Review status: criteria provided, single submitter. Criteria: Invitae Variant Classification Sherloc (09022015). Collection method: clinical testing. Allele origin: germline.

NM_003482.4(KMT2D):c.4704A>T (p.Ala1568=)

Gene: KMT2D (lysine methyltransferase 2D; minus strand). Cytogenetic location: 12q13.12.
Variant type: single nucleotide variant.
Coding change: c.4704A>T on transcript NM_003482.4 (MANE Select); coding-DNA position 4704, A replaced by T.
Protein change: p.Ala1568=; no amino-acid change (alanine 1568 retained).
Molecular consequence: synonymous variant.
Genome position (GRCh38, 1-based): chr12:49,045,957, T>A on the plus strand (A>T on the coding strand, the complement: KMT2D is on the minus strand). VCF-style: chr12-49045957-T-A. GRCh37 (hg19) VCF-style: chr12-49439740-T-A.
Identifiers: ClinVar variation 3622723 (VCV003622723.6).
Genomic context (GRCh38, chr12:49,045,957, plus strand): 5'-CATTCAAAATTTCTGTGACTCACCTGGCTCTTTCACCTTCATGGGCACCAGCTCTGGAGG[T>A]GCAACAGGCGCTATGGAGAGAAGGACAAACGGAGGTGGCTGAGGTCCTGTCCCAAAGCAA-3'
Protein context (NP_003473.3, residues 1558-1578): PYVVKPVAPV[Ala1568=]PPELVPMKVK